The following is an entry in ClinVar:

NM_001035.3(RYR2):c.1403A>G (p.Glu468Gly)

Gene: RYR2 (ryanodine receptor 2; plus strand). Cytogenetic location: 1q43.
Variant type: single nucleotide variant.
Coding change: c.1403A>G on transcript NM_001035.3 (MANE Select); coding-DNA position 1403, A replaced by G.
Protein change: p.Glu468Gly; replaces glutamic acid 468 with glycine.
Molecular consequence: missense variant.
Genome position (GRCh38, 1-based): chr1:237,454,501, A>G. VCF-style: chr1-237454501-A-G. GRCh37 (hg19) VCF-style: chr1-237617801-A-G.
Other names: short protein forms E468G.
Identifiers: ClinVar variation 979107 (VCV000979107.14), dbSNP rs1282053556, ClinGen allele CA345380451.

ClinVar aggregate classification (germline): Uncertain significance. Review status: criteria provided, multiple submitters, no conflicts (2 of 4 stars). 4 submissions from 4 submitters: Uncertain significance (4). Last evaluated 2023-11-30.

Conditions:
Catecholaminergic polymorphic ventricular tachycardia (CVPT). Also called: Catecholamine-induced polymorphic ventricular tachycardia. Identifiers: Orphanet 3286, MedGen C5574922, MONDO:0017990.
Catecholaminergic polymorphic ventricular tachycardia 1. Also called: VENTRICULAR TACHYCARDIA, CATECHOLAMINERGIC POLYMORPHIC, 1, WITH OR WITHOUT ATRIAL DYSFUNCTION AND/OR DILATED CARDIOMYOPATHY; VENTRICULAR TACHYCARDIA, STRESS-INDUCED POLYMORPHIC 1; RYR2-Related Catecholaminergic Polymorphic Ventricular Tachycardia. Identifiers: Orphanet 3286, MedGen C1631597, MONDO:0011484, OMIM 604772.

Allele frequency attached by ClinVar (database versions not stated): gnomAD exomes below 0.00001; TOPMed below 0.00001; gnomAD 0.00001.
gnomAD v4.1: 3 of 1,613,450 alleles (0.00019%); highest among the groups gnomAD compares: Non-Finnish European, 0.00025%; no homozygotes.

Submissions (4):

All of Us Research Program, National Institutes of Health
Classification: Uncertain significance for Catecholaminergic polymorphic ventricular tachycardia. Last evaluated: 2023-11-30. Review status: criteria provided, single submitter. Criteria: ACMG Guidelines, 2015. Collection method: clinical testing. Allele origin: germline. Inheritance: Autosomal dominant inheritance. Observed: 1 variant allele, 1 heterozygote.
Comment: This study involves interpretation of variants in research participants for the purpose of population health screening. Participant phenotype was not available at the time of variant classification. Additional details can be found in publication PMID: 35346344, PMCID: PMC8962531

Labcorp Genetics (formerly Invitae), Labcorp
Classification: Uncertain significance for Catecholaminergic polymorphic ventricular tachycardia 1. Last evaluated: 2021-08-01. Review status: criteria provided, single submitter. Criteria: Invitae Variant Classification Sherloc (09022015). Collection method: clinical testing. Allele origin: germline.
Comment: In summary, the available evidence is currently insufficient to determine the role of this variant in disease. Therefore, it has been classified as a Variant of Uncertain Significance. Algorithms developed to predict the effect of missense changes on protein structure and function are either unavailable or do not agree on the potential impact of this missense change (SIFT: "Deleterious"; PolyPhen-2: "Benign"; Align-GVGD: "Class C0"). This variant has not been reported in the literature in individuals with RYR2-related conditions. ClinVar contains an entry for this variant (Variation ID: 979107). This variant is not present in population databases (ExAC no frequency). This sequence change replaces glutamic acid with glycine at codon 468 of the RYR2 protein (p.Glu468Gly). The glutamic acid residue is highly conserved and there is a moderate physicochemical difference between glutamic acid and glycine.

GeneDx
Classification: Uncertain significance. Last evaluated: 2021-06-17. Review status: criteria provided, single submitter. Criteria: GeneDx Variant Classification Process June 2021. Collection method: clinical testing. Allele origin: germline. Affected: yes.
Comment: Not observed at significant frequency in large population cohorts (Lek et al., 2016); In silico analysis supports that this missense variant has a deleterious effect on protein structure/function; Has not been previously published as pathogenic or benign to our knowledge; Not located in one of the three hot-spot regions of the RYR2 gene, where the majority of pathogenic missense variants occur (Medeiros-Domingo et al., 2009); This variant is associated with the following publications: (PMID: 26582918, 19926015, 27535533)

Human Genome Sequencing Center Clinical Lab, Baylor College of Medicine
Classification: Uncertain significance for Catecholaminergic polymorphic ventricular tachycardia 1. Review status: criteria provided, single submitter. Criteria: ACMG Guidelines, 2015. Collection method: clinical testing. Allele origin: germline.